The following is an entry in ClinVar:

NM_000369.5(TSHR):c.2046C>T (p.Thr682=)

Genes: TSHR (thyroid stimulating hormone receptor; plus strand), TSHR-AS1 (TSHR antisense RNA 1; minus strand). Cytogenetic location: 14q31.1.
Variant type: single nucleotide variant.
Coding change: c.2046C>T on transcript NM_000369.5 (MANE Select); coding-DNA position 2046, C replaced by T.
Protein change: p.Thr682=; no amino-acid change (threonine 682 retained).
Molecular consequence: synonymous variant.
Genome position (GRCh38, 1-based): chr14:81,144,104, C>T. VCF-style: chr14-81144104-C-T. GRCh37 (hg19) VCF-style: chr14-81610448-C-T.
Identifiers: ClinVar variation 2975835 (VCV002975835.5), dbSNP rs775116489, ClinGen allele CA7294567.

ClinVar aggregate classification (germline): Likely benign. Review status: criteria provided, single submitter (1 of 4 stars). 2 submissions from 2 submitters: Likely benign (1). 1 of the submissions does not count toward it. Last evaluated 2024-02-23.

Conditions:
TSHR-related disorder. Also called: TSHR-related condition; TSHR-related disorders.

Allele frequency attached by ClinVar (database versions not stated): gnomAD exomes 0.00002; ExAC 0.00007.
gnomAD v4.1: 39 of 1,613,996 alleles (0.0024%); highest among the groups gnomAD compares: South Asian, 0.038%; no homozygotes.

Submissions (2):

Labcorp Genetics (formerly Invitae), Labcorp
Classification: Likely benign. Last evaluated: 2024-02-23. Review status: criteria provided, single submitter. Criteria: Invitae Variant Classification Sherloc (09022015). Collection method: clinical testing. Allele origin: germline.

PreventionGenetics, part of Exact Sciences
Classification: Likely benign for TSHR-related condition. Last evaluated: 2019-04-22. Review status: no assertion criteria provided. Collection method: clinical testing. Allele origin: germline. Not counted in ClinVar's aggregate classification.
Comment: This variant is classified as likely benign based on ACMG/AMP sequence variant interpretation guidelines (Richards et al. 2015 PMID: 25741868, with internal and published modifications).